The following is an entry in ClinVar:

NM_016592.5(GNAS):c.689C>T (p.Ser230Phe)

Genes: GNAS (GNAS complex locus; plus strand), GNAS-AS1 (GNAS antisense RNA 1; minus strand). Cytogenetic location: 20q13.32.
Variant type: single nucleotide variant.
Coding change: c.689C>T on transcript NM_016592.5 (MANE Plus Clinical); coding-DNA position 689, C replaced by T.
Protein change: p.Ser230Phe; replaces serine 230 with phenylalanine.
Molecular consequence: missense variant. On other transcripts: 5 prime UTR variant (1).
Genome position (GRCh38, 1-based): chr20:58,840,795, C>T. VCF-style: chr20-58840795-C-T. GRCh37 (hg19) VCF-style: chr20-57415850-C-T.
Other names: c.-49C>T (NM_001410912.1); short protein forms S230F.
Identifiers: ClinVar variation 1198859 (VCV001198859.5), dbSNP rs1455756498, ClinGen allele CA409453394.

ClinVar aggregate classification (germline): Uncertain significance. Review status: criteria provided, multiple submitters, no conflicts (2 of 4 stars). 2 submissions from 2 submitters: Uncertain significance (2). Last evaluated 2025-06-02.

Conditions:
GNAS-related disorder. Identifiers: MedGen CN380105.

Allele frequency attached by ClinVar (database versions not stated): gnomAD 0.00001; gnomAD exomes 0.00001 and below 0.00001; TOPMed 0.00001.
gnomAD v4.1: 15 of 1,611,922 alleles (0.00093%); highest among the groups gnomAD compares: Admixed American, 0.0017%; no homozygotes.

Submissions (2):

PreventionGenetics, part of Exact Sciences
Classification: Uncertain significance for GNAS-related condition. Last evaluated: 2025-06-02. Review status: criteria provided, single submitter. Criteria: ACMG Guidelines, 2015. Collection method: clinical testing. Allele origin: germline.
Comment: The GNAS c.689C>T variant is predicted to result in the amino acid substitution p.Ser230Phe. Of note, in the more commonly reported transcript (NM_000516.5) this variant is pre-coding (c.-50932C>T). To our knowledge, this variant has not been reported in the literature. This variant is reported in 0.00091% of alleles in individuals of European (Non-Finnish) descent in gnomAD. At this time, the clinical significance of this variant is uncertain due to the absence of conclusive functional and genetic evidence.

GeneDx
Classification: Uncertain significance. Last evaluated: 2021-03-25. Review status: criteria provided, single submitter. Criteria: GeneDx Variant Classification Process June 2021. Collection method: clinical testing. Allele origin: germline. Affected: yes.
Comment: In silico analysis supports that this missense variant has a deleterious effect on protein structure/function; Has not been previously published as pathogenic or benign to our knowledge